The following is an entry in ClinVar:

ClinVar aggregate classification (germline): Likely pathogenic (1 of 4 stars; one submission).

Submission:

GeneDx
Classification: Likely pathogenic. Last evaluated: 2018-12-11. Review status: criteria provided, single submitter. Criteria: GeneDx Variant Classification (06012015). Collection method: clinical testing. Allele origin: germline. Affected: yes.
Comment: The c.621_622dupCA variant in the SOX10 gene has not been previously reported to our knowledge. This variant causes a frameshift starting with codon Lysine 208, changes this amino acid to a Threonine residue and creates a premature Stop codon at position 79 of the new reading frame, denoted p.Lys208ThrfsX79. It is predicted to cause loss of normal protein function through protein truncation. The c.621_622dupCA variant is not observed in large population cohorts (Lek et al., 2016). We interpret this variant as likely pathogenic.

NM_006941.4(SOX10):c.621_622dup (p.Lys208fs)

Genes: POLR2F (RNA polymerase II, I and III subunit F; plus strand), SOX10 (SRY-box transcription factor 10; minus strand). Cytogenetic location: 22q13.1.
Variant type: Duplication.
Coding change: c.621_622dup on transcript NM_006941.4 (MANE Select); coding-DNA positions 621 to 622, 2 bases duplicated (CA; older notation c.621_622dupCA).
Protein change: p.Lys208fs; shifts the reading frame from lysine 208.
Molecular consequence: frameshift variant. On other transcripts: intron variant (3).
Genome position (GRCh38, 1-based): chr22:37,977,942-37,977,943, TG duplicated on the plus strand (CA on the coding strand, the reverse complement: SOX10 is on the minus strand); duplicating any 2 consecutive bases within chr22:37,977,942-37,977,944 gives the same sequence; the c. name uses the placement nearest the transcript's 3' end. VCF-style (leftmost placement, unchanged base first): chr22-37977941-T-TTG. GRCh37 (hg19) VCF-style: chr22-38373948-T-TTG.
Other names: c.*38+5633_*38+5634dup (NM_001363825.1); c.294-8211_294-8210dup (NM_001301130.2); c.293+10773_293+10774dup (NM_001301131.2); c.621_622dupCA (NM_006941.3); short protein forms K208fs.
Identifiers: ClinVar variation 817923 (VCV000817923.3), dbSNP rs1601882239, ClinGen allele CA915951352.